The following is an entry in ClinVar:

ClinVar aggregate classification (germline): Uncertain significance (1 of 4 stars; one submission).

Allele frequency attached by ClinVar (database versions not stated): gnomAD 0.00001; ExAC 0.00002; TOPMed 0.00001; gnomAD exomes 0.00002.
gnomAD v4.1: 22 of 1,197,036 alleles (0.0018%); highest among the groups gnomAD compares: Non-Finnish European, 0.0017%; no homozygotes.

Submission:

Labcorp Genetics (formerly Invitae), Labcorp
Classification: Uncertain significance. Last evaluated: 2025-11-18. Review status: criteria provided, single submitter. Criteria: Invitae Variant Classification Sherloc (09022015). Collection method: clinical testing. Allele origin: germline.
Comment: This sequence change replaces isoleucine, which is neutral and non-polar, with threonine, which is neutral and polar, at codon 64 of the CLCN5 protein (p.Ile64Thr). This variant is present in population databases (rs781902929, gnomAD 0.005%). This variant has not been reported in the literature in individuals affected with CLCN5-related conditions. ClinVar contains an entry for this variant (Variation ID: 1975709). Invitae Evidence Modeling of protein sequence and biophysical properties (such as structural, functional, and spatial information, amino acid conservation, physicochemical variation, residue mobility, and thermodynamic stability) indicates that this missense variant is not expected to disrupt CLCN5 protein function with a negative predictive value of 80%. In summary, the available evidence is currently insufficient to determine the role of this variant in disease. Therefore, it has been classified as a Variant of Uncertain Significance.

NM_001127898.4(CLCN5):c.401T>C (p.Ile134Thr)

Gene: CLCN5 (Cl-/H+ antiporter 5; plus strand). Cytogenetic location: Xp11.23.
Variant type: single nucleotide variant.
Coding change: c.401T>C on transcript NM_001127898.4 (MANE Select); coding-DNA position 401, T replaced by C.
Protein change: p.Ile134Thr; replaces isoleucine 134 with threonine.
Molecular consequence: missense variant.
Genome position (GRCh38, 1-based): chrX:50,072,574, T>C. VCF-style: chrX-50072574-T-C. GRCh37 (hg19) VCF-style: chrX-49837229-T-C.
Other names: c.191T>C, p.Ile64Thr (NM_000084.5); c.401T>C, p.Ile134Thr (NM_001127899.4); c.251T>C, p.Ile84Thr (NM_001282163.2); short protein forms I84T, I64T, I134T.
Identifiers: ClinVar variation 1975709 (VCV001975709.5), dbSNP rs781902929, ClinGen allele CA10413721.